The following is an entry in ClinVar:

ClinVar aggregate classification (germline): Uncertain significance. Review status: criteria provided, multiple submitters, no conflicts (2 of 4 stars). 3 submissions from 3 submitters: Uncertain significance (3). Last evaluated 2022-07-19.

Conditions:
Cardiovascular phenotype. Identifiers: MedGen CN230736.
DK1-congenital disorder of glycosylation. Also called: DK1-CDG; CONGENITAL DISORDER OF GLYCOSYLATION, TYPE Im; CDG Im; DK1 DEFICIENCY; DOLICHOL KINASE DEFICIENCY; DOLK-congenital disorder of glycosylation. Identifiers: Orphanet 91131, MedGen C1835849, MONDO:0012556, OMIM 610768.

Allele frequency attached by ClinVar (database versions not stated): gnomAD exomes below 0.00001 and 0.00001; TOPMed below 0.00001; ExAC 0.00001; gnomAD 0.00001.

Submissions (3):

Labcorp Genetics (formerly Invitae), Labcorp
Classification: Uncertain significance for DK1-congenital disorder of glycosylation. Last evaluated: 2022-07-19. Review status: criteria provided, single submitter. Criteria: Invitae Variant Classification Sherloc (09022015). Collection method: clinical testing. Allele origin: germline.
Comment: In summary, the available evidence is currently insufficient to determine the role of this variant in disease. Therefore, it has been classified as a Variant of Uncertain Significance. Algorithms developed to predict the effect of missense changes on protein structure and function are either unavailable or do not agree on the potential impact of this missense change (SIFT: "Tolerated"; PolyPhen-2: "Possibly Damaging"; Align-GVGD: "Class C0"). ClinVar contains an entry for this variant (Variation ID: 426333). This variant has not been reported in the literature in individuals affected with DOLK-related conditions. This variant is present in population databases (rs764980710, gnomAD 0.007%). This sequence change replaces alanine, which is neutral and non-polar, with threonine, which is neutral and polar, at codon 25 of the DOLK protein (p.Ala25Thr).

Ambry Genetics
Classification: Uncertain significance for Cardiovascular phenotype. Last evaluated: 2021-04-02. Review status: criteria provided, single submitter. Criteria: Ambry Variant Classification Scheme 2023. Collection method: clinical testing. Allele origin: germline.
Comment: The p.A25T variant (also known as c.73G>A), located in coding exon 1 of the DOLK gene, results from a G to A substitution at nucleotide position 73. The alanine at codon 25 is replaced by threonine, an amino acid with similar properties. This amino acid position is not well conserved in available vertebrate species, and threonine is the reference amino acid in other vertebrate species. In addition, this alteration is predicted to be tolerated by in silico analysis. Since supporting evidence is limited at this time, the clinical significance of this alteration remains unclear.

GeneDx
Classification: Uncertain significance. Last evaluated: 2017-04-20. Review status: criteria provided, single submitter. Criteria: GeneDx Variant Classification (06012015). Collection method: clinical testing. Allele origin: germline. Affected: yes.
Comment: The A25T variant in the DOLK gene has not been reported previously as a pathogenic variant, nor as a benign variant, to our knowledge. The A25T variant is not observed at a significant frequency in large population cohorts (Lek et al., 2016; 1000 Genomes Consortium et al., 2015; Exome Variant Server). The A25T variant is a non-conservative amino acid substitution, which is likely to impact secondary protein structure as these residues differ in polarity, charge, size and/or other properties. This substitution occurs at a position that is not conserved. In silico analysis is inconsistent in its predictions as to whether or not the variant is damaging to the protein structure/function. We interpret A25T as a variant of uncertain significance.

NM_014908.4(DOLK):c.73G>A (p.Ala25Thr)

Gene: DOLK (dolichol kinase; minus strand). Cytogenetic location: 9q34.11.
Variant type: single nucleotide variant.
Coding change: c.73G>A on transcript NM_014908.4 (MANE Select); coding-DNA position 73, G replaced by A.
Protein change: p.Ala25Thr; replaces alanine 25 with threonine.
Molecular consequence: missense variant.
Genome position (GRCh38, 1-based): chr9:128,947,231, C>T on the plus strand (G>A on the coding strand, the complement: DOLK is on the minus strand). VCF-style: chr9-128947231-C-T. GRCh37 (hg19) VCF-style: chr9-131709510-C-T.
Other names: short protein forms A25T.
Identifiers: ClinVar variation 426333 (VCV000426333.7), dbSNP rs764980710, ClinGen allele CA5271801.